The following is an entry in ClinVar:

ClinVar aggregate classification (germline): Uncertain significance (1 of 4 stars; one submission).

Submission:

Labcorp Genetics (formerly Invitae), Labcorp
Classification: Uncertain significance. Last evaluated: 2024-05-07. Review status: criteria provided, single submitter. Criteria: Invitae Variant Classification Sherloc (09022015). Collection method: clinical testing. Allele origin: germline.
Comment: This sequence change replaces arginine, which is basic and polar, with histidine, which is basic and polar, at codon 15 of the RPL18 protein (p.Arg15His). This variant is not present in population databases (gnomAD no frequency). This variant has not been reported in the literature in individuals affected with RPL18-related conditions. An algorithm developed to predict the effect of missense changes on protein structure and function (PolyPhen-2) suggests that this variant is likely to be tolerated. In summary, the available evidence is currently insufficient to determine the role of this variant in disease. Therefore, it has been classified as a Variant of Uncertain Significance.

NM_000979.4(RPL18):c.44G>A (p.Arg15His)

Gene: RPL18 (ribosomal protein L18; minus strand). Cytogenetic location: 19q13.33.
Variant type: single nucleotide variant.
Coding change: c.44G>A on transcript NM_000979.4 (MANE Select); coding-DNA position 44, G replaced by A.
Protein change: p.Arg15His; replaces arginine 15 with histidine.
Molecular consequence: missense variant. On other transcripts: non-coding transcript variant (1), intron variant (1).
Genome position (GRCh38, 1-based): chr19:48,617,837, C>T on the plus strand (G>A on the coding strand, the complement: RPL18 is on the minus strand). VCF-style: chr19-48617837-C-T. GRCh37 (hg19) VCF-style: chr19-49121094-C-T.
Other names: c.4-414G>A (NM_001270490.2); short protein forms R15H.
Identifiers: ClinVar variation 3651152 (VCV003651152.2).